The following is an entry in ClinVar:

NM_001164277.2(SLC37A4):c.370del (p.Val124fs)

Gene: SLC37A4 (solute carrier family 37 member 4; minus strand). Cytogenetic location: 11q23.3.
Variant type: Deletion.
Coding change: c.370del on transcript NM_001164277.2 (MANE Select); coding-DNA position 370, one base deleted (G; older notation c.370delG).
Protein change: p.Val124fs; shifts the reading frame from valine 124.
Molecular consequence: frameshift variant.
Genome position (GRCh38, 1-based): chr11:119,028,205, C deleted on the plus strand (G on the coding strand, the reverse complement: SLC37A4 is on the minus strand); the first of 2 consecutive C bases (chr11:119,028,205-119,028,206); deleting either gives the same sequence. VCF-style (leftmost placement, unchanged base first): chr11-119028204-AC-A. GRCh37 (hg19) VCF-style: chr11-118898914-AC-A.
Other names: c.370delG (NM_001164277.1); c.370del, p.Val124fs (NM_001164278.2, NM_001164280.2, NM_001467.6); c.151del, p.Val51fs (NM_001164279.2); short protein forms V51fs, V124fs.
Identifiers: ClinVar variation 550548 (VCV000550548.4), dbSNP rs1555191512, ClinGen allele CA658823069.

ClinVar aggregate classification (germline): Pathogenic. Review status: criteria provided, single submitter (1 of 4 stars). 2 submissions from 2 submitters: Pathogenic (1). 1 of the submissions does not count toward it. Last evaluated 2024-03-19.

Conditions:
Glucose-6-phosphate transport defect (GSD1B). Also called: Glycogen Storage Disease Type Ib; GSD Ib. Identifiers: Orphanet 364, Orphanet 79259, MedGen C0268146, MONDO:0009288, OMIM 232220.

Submissions (2):

Labcorp Genetics (formerly Invitae), Labcorp
Classification: Pathogenic for Glucose-6-phosphate transport defect. Last evaluated: 2024-03-19. Review status: criteria provided, single submitter. Criteria: Invitae Variant Classification Sherloc (09022015). Collection method: clinical testing. Allele origin: germline.
Comment: This sequence change creates a premature translational stop signal (p.Val124Serfs*22) in the SLC37A4 gene. It is expected to result in an absent or disrupted protein product. Loss-of-function variants in SLC37A4 are known to be pathogenic (PMID: 9758626, 10940311). This variant is not present in population databases (gnomAD no frequency). This variant has not been reported in the literature in individuals affected with SLC37A4-related conditions. ClinVar contains an entry for this variant (Variation ID: 550548). For these reasons, this variant has been classified as Pathogenic.

Counsyl
Classification: Likely pathogenic for Glucose-6-phosphate transport defect. Last evaluated: 2017-02-01. Review status: no assertion criteria provided. Collection method: clinical testing. Allele origin: unknown. Not counted in ClinVar's aggregate classification.

Literature cited by the submitters: PubMed 9758626 (cited by Labcorp Genetics (formerly Invitae), Labcorp); PubMed 10940311 (cited by Labcorp Genetics (formerly Invitae), Labcorp).